The following is an entry in ClinVar:

ClinVar aggregate classification (germline): Likely benign. Review status: criteria provided, multiple submitters, no conflicts (2 of 4 stars). 5 submissions from 5 submitters: Likely benign (5). Last evaluated 2026-04-01.

Conditions:
Kabuki syndrome. Also called: Kabuki make-up syndrome; NIIKAWA-KUROKI SYNDROME. Identifiers: Orphanet 2322, MedGen C0796004, MONDO:0016512.
KMT2D-related disorder. Also called: KMT2D-Related Disorders.

Allele frequency attached by ClinVar (database versions not stated): ExAC 0.00003; gnomAD exomes 0.00005 and 0.00006; TOPMed 0.00005; gnomAD 0.00006; 1000 Genomes Project 30x 0.00031; 1000 Genomes Project 0.00040.

Submissions (5):

CeGaT Center for Human Genetics Tuebingen
Classification: Likely benign. Last evaluated: 2026-04-01. Review status: criteria provided, single submitter. Criteria: CeGaT Center For Human Genetics Tuebingen Variant Classification Criteria Version 2. Collection method: clinical testing. Allele origin: germline. Affected: yes. Observed: 1 variant allele.
Comment: KMT2D: BP4, BP7

Labcorp Genetics (formerly Invitae), Labcorp
Classification: Likely benign for Kabuki syndrome. Last evaluated: 2025-12-15. Review status: criteria provided, single submitter. Criteria: Invitae Variant Classification Sherloc (09022015). Collection method: clinical testing. Allele origin: germline.

PreventionGenetics, part of Exact Sciences
Classification: Likely benign for KMT2D-related condition. Last evaluated: 2025-04-25. Review status: criteria provided, single submitter. Criteria: ACMG Guidelines, 2015. Collection method: clinical testing. Allele origin: germline.
Comment: This variant is classified as likely benign based on ACMG/AMP sequence variant interpretation guidelines (Richards et al. 2015 PMID: 25741868, with internal and published modifications).

Blueprint Genetics
Classification: Likely benign. Last evaluated: 2023-12-04. Review status: criteria provided, single submitter. Criteria: ACMG Guidelines, 2015. Collection method: clinical testing. Allele origin: germline.

Breakthrough Genomics
Classification: Likely benign. Review status: criteria provided, single submitter. Criteria: ACMG Guidelines, 2015. Collection method: not provided. Allele origin: germline. Inheritance: Autosomal dominant inheritance. Affected: yes.

NM_003482.4(KMT2D):c.6639C>T (p.Gly2213=)

Gene: KMT2D (lysine methyltransferase 2D; minus strand). Cytogenetic location: 12q13.12.
Variant type: single nucleotide variant.
Coding change: c.6639C>T on transcript NM_003482.4 (MANE Select); coding-DNA position 6639, C replaced by T.
Protein change: p.Gly2213=; no amino-acid change (glycine 2213 retained).
Molecular consequence: synonymous variant.
Genome position (GRCh38, 1-based): chr12:49,041,131, G>A on the plus strand (C>T on the coding strand, the complement: KMT2D is on the minus strand). VCF-style: chr12-49041131-G-A. GRCh37 (hg19) VCF-style: chr12-49434914-G-A.
Other names: c.6639C>T (NM_003482.3).
Identifiers: ClinVar variation 1086398 (VCV001086398.14), dbSNP rs200895959, ClinGen allele CA6547208.